The following is an entry in ClinVar:

ClinVar aggregate classification (germline): Likely benign (0 of 4 stars; one submission).

Conditions:
GANAB-related disorder. Also called: GANAB-related condition.

Allele frequency attached by ClinVar (database versions not stated): ExAC 0.00002; gnomAD exomes 0.00002.

Submission:

PreventionGenetics, part of Exact Sciences
Classification: Likely benign for GANAB-related condition. Last evaluated: 2022-10-18. Review status: no assertion criteria provided. Collection method: clinical testing. Allele origin: germline.
Comment: This variant is classified as likely benign based on ACMG/AMP sequence variant interpretation guidelines (Richards et al. 2015 PMID: 25741868, with internal and published modifications).

NM_198334.3(GANAB):c.1102C>T (p.Leu368=)

Gene: GANAB (glucosidase II alpha subunit; minus strand). Cytogenetic location: 11q12.3.
Variant type: single nucleotide variant.
Coding change: c.1102C>T on transcript NM_198334.3 (MANE Select); coding-DNA position 1102, C replaced by T.
Protein change: p.Leu368=; no amino-acid change (leucine 368 retained).
Molecular consequence: synonymous variant.
Genome position (GRCh38, 1-based): chr11:62,631,078, G>A on the plus strand (C>T on the coding strand, the complement: GANAB is on the minus strand). VCF-style: chr11-62631078-G-A. GRCh37 (hg19) VCF-style: chr11-62398550-G-A.
Other names: c.826C>T, p.Leu276= (NM_001278192.2); c.760C>T, p.Leu254= (NM_001278193.2); c.811C>T, p.Leu271= (NM_001278194.2, NM_001329222.2, NM_001329223.2); c.379C>T, p.Leu127= (NM_001329224.2, NM_001329225.2); c.1168C>T, p.Leu390= (NM_198335.4).
Identifiers: ClinVar variation 3050986 (VCV003050986.2), dbSNP rs199927472, ClinGen allele CA6050863.